The following is an entry in ClinVar:

ClinVar aggregate classification (germline): Uncertain significance (1 of 4 stars; one submission).

Submission:

Labcorp Genetics (formerly Invitae), Labcorp
Classification: Uncertain significance. Last evaluated: 2022-02-20. Review status: criteria provided, single submitter. Criteria: Invitae Variant Classification Sherloc (09022015). Collection method: clinical testing. Allele origin: germline.
Comment: This variant is not present in population databases (gnomAD no frequency). In summary, the available evidence is currently insufficient to determine the role of this variant in disease. Therefore, it has been classified as a Variant of Uncertain Significance. ClinVar contains an entry for this variant (Variation ID: 835372). This variant has not been reported in the literature in individuals affected with ATR-related conditions. This variant, c.4096_4098dup, results in the insertion of 1 amino acid(s) of the ATR protein (p.Pro1366dup), but otherwise preserves the integrity of the reading frame.

NM_001184.4(ATR):c.4096_4098dup (p.Pro1366dup)

Gene: ATR (ATR checkpoint kinase; minus strand). Cytogenetic location: 3q23.
Variant type: Duplication.
Coding change: c.4096_4098dup on transcript NM_001184.4 (MANE Select); coding-DNA positions 4096 to 4098, 3 bases duplicated (CCA; older notation c.4096_4098dupCCA).
Protein change: p.Pro1366dup; duplicates proline 1366.
Molecular consequence: inframe insertion.
Genome position (GRCh38, 1-based): chr3:142,524,047-142,524,049, TGG duplicated on the plus strand (CCA on the coding strand, the reverse complement: ATR is on the minus strand). VCF-style (leftmost placement, unchanged base first): chr3-142524046-C-CTGG. GRCh37 (hg19) VCF-style: chr3-142242888-C-CTGG.
Other names: c.3904_3906dup, p.Pro1302dup (NM_001354579.2).
Identifiers: ClinVar variation 835372 (VCV000835372.9), dbSNP rs2033268253, ClinGen allele CA916082611.
Genomic context (GRCh38, chr3:142,524,046, plus strand): 5'-TACTTACCACAAATGTAAAATCTTTTCCTTGAGTTTCAGTTGTTGAGAAATCTAATCGAC[C>CTGG]TGGATCTATCGCCCCCAATTCCCCTAAACATTCCCCACAGAGCAACCGAGCTTGAGAGTT-3'